The following is an entry in ClinVar:

NM_001267550.2(TTN):c.48359T>C (p.Val16120Ala)

Genes: TTN-AS1 (TTN antisense RNA 1; plus strand), TTN (titin; minus strand). Cytogenetic location: 2q31.2.
Variant type: single nucleotide variant.
Coding change: c.48359T>C on transcript NM_001267550.2 (MANE Select); coding-DNA position 48359, T replaced by C.
Protein change: p.Val16120Ala; replaces valine 16120 with alanine.
Molecular consequence: missense variant.
Genome position (GRCh38, 1-based): chr2:178,615,742, A>G on the plus strand (T>C on the coding strand, the complement: TTN is on the minus strand). VCF-style: chr2-178615742-A-G. GRCh37 (hg19) VCF-style: chr2-179480469-A-G.
Other names: c.40655T>C, p.Val13552Ala (NM_133378.4); c.43436T>C, p.Val14479Ala (NM_001256850.1); c.21164T>C, p.Val7055Ala (NM_003319.4); c.21539T>C, p.Val7180Ala (NM_133432.3); c.21740T>C, p.Val7247Ala (NM_133437.4); c.48359T>C (NM_001267550.1); short protein forms V13552A, V16120A, V7180A, V7055A, V7247A, V14479A.
Identifiers: ClinVar variation 229441 (VCV000229441.13), dbSNP rs745999025, ClinGen allele CA1994842.

ClinVar aggregate classification (germline): Uncertain significance. Review status: criteria provided, multiple submitters, no conflicts (2 of 4 stars). 5 submissions from 5 submitters: Uncertain significance (5). Last evaluated 2025-05-28.

Conditions:
Autosomal recessive limb-girdle muscular dystrophy type 2J (LGMDR10). Also called: Limb-girdle muscular dystrophy, type 2J; MUSCULAR DYSTROPHY, LIMB-GIRDLE, AUTOSOMAL RECESSIVE 10. Identifiers: Orphanet 140922, MedGen C1837342, MONDO:0012127, OMIM 608807.
Dilated cardiomyopathy 1G (CMD1G). Identifiers: Orphanet 154, MedGen C1858763, MONDO:0011400, OMIM 604145.

Allele frequency attached by ClinVar (database versions not stated): gnomAD exomes below 0.00001; ExAC 0.00001; gnomAD 0.00003; TOPMed 0.00003.
gnomAD v4.1: 5 of 1,612,078 alleles (0.00031%); highest among the groups gnomAD compares: African/African-American, 0.0053%; no homozygotes.

Submissions (5):

Women's Health and Genetics/Laboratory Corporation of America, LabCorp
Classification: Uncertain significance. Last evaluated: 2025-05-28. Review status: criteria provided, single submitter. Criteria: LabCorp Variant Classification Summary - May 2015. Collection method: clinical testing. Allele origin: germline.
Comment: Variant summary: TTN c.40655T>C (p.Val13552Ala) results in a non-conservative amino acid change in the encoded protein sequence. Algorithms developed to predict the effect of missense changes on protein structure and function are either unavailable or do not agree on the potential impact of this missense change. The variant allele was found at a frequency of 4e-06 in 248076 control chromosomes. The available data on variant occurrences in the general population are insufficient to allow any conclusion about variant significance. c.40655T>C has been observed in the presumed heterozygous state in at least 1 individual(s) affected with left ventricular noncompaction (Mazzarotto_2021). These report(s) do not provide unequivocal conclusions about association of the variant with TTN-related conditions. To our knowledge, no experimental evidence demonstrating an impact on protein function has been reported. The following publication has been ascertained in the context of this evaluation (PMID: 33500567). ClinVar contains an entry for this variant (Variation ID: 229441). Based on the evidence outlined above, the variant was classified as uncertain significance.

GeneDx
Classification: Uncertain significance. Last evaluated: 2025-03-07. Review status: criteria provided, single submitter. Criteria: GeneDx Variant Classification Process June 2021. Collection method: clinical testing. Allele origin: germline. Affected: yes.
Comment: Not observed at significant frequency in large population cohorts (gnomAD); Missense variant in a gene in which most reported pathogenic variants are truncating/loss of function; This variant is associated with the following publications: (PMID: 33500567)

Revvity Omics, Revvity
Classification: Uncertain significance. Last evaluated: 2019-05-09. Review status: criteria provided, single submitter. Criteria: ACMG Guidelines, 2015. Collection method: clinical testing. Allele origin: germline.

Labcorp Genetics (formerly Invitae), Labcorp
Classification: Uncertain significance for Dilated cardiomyopathy 1G; Autosomal recessive limb-girdle muscular dystrophy type 2J. Last evaluated: 2017-11-14. Review status: criteria provided, single submitter. Criteria: Invitae Variant Classification Sherloc (09022015). Collection method: clinical testing. Allele origin: germline.

Laboratory for Molecular Medicine, Mass General Brigham Personalized Medicine
Classification: Uncertain significance. Last evaluated: 2016-03-02. Review status: criteria provided, single submitter. Criteria: LMM Criteria. Collection method: clinical testing. Allele origin: germline. Observed: 1 variant allele.
Comment: The p.Val13552Ala variant in TTN has not been previously reported in individuals with cardiomyopathy, but has been identified in 1/9786 of African chromosomes b y the Exome Aggregation Consortium (ExAC). Compu tational prediction tools and conservation analysis do not provide strong suppor t for or against an impact to the protein. In summary, the clinical significance of the p.Val13552Ala variant is uncertain.

Literature cited by the submitters: PubMed 33500567 (cited by Women's Health and Genetics/Laboratory Corporation of America, LabCorp).